The following is an entry in ClinVar:

NM_001003800.2(BICD2):c.2080C>T (p.Arg694Cys)

Gene: BICD2 (BICD cargo adaptor 2; minus strand). Cytogenetic location: 9q22.31.
Variant type: single nucleotide variant.
Coding change: c.2080C>T on transcript NM_001003800.2 (MANE Select); coding-DNA position 2080, C replaced by T.
Protein change: p.Arg694Cys; replaces arginine 694 with cysteine.
Molecular consequence: missense variant.
Genome position (GRCh38, 1-based): chr9:92,718,565, G>A on the plus strand (C>T on the coding strand, the complement: BICD2 is on the minus strand). VCF-style: chr9-92718565-G-A. GRCh37 (hg19) VCF-style: chr9-95480847-G-A.
Other names: c.2080C>T, p.Arg694Cys (NM_015250.4); short protein forms R694C.
Identifiers: ClinVar variation 210526 (VCV000210526.14), dbSNP rs797045412, ClinGen allele CA209708.

ClinVar aggregate classification (germline): Pathogenic/Likely pathogenic. Review status: criteria provided, multiple submitters, no conflicts (2 of 4 stars). 7 submissions from 7 submitters: Pathogenic (1); Likely pathogenic (4). 2 of the submissions do not count toward it. Last evaluated 2024-03-01.

Conditions:
Autosomal dominant childhood-onset proximal spinal muscular atrophy with contractures (SMALED2A). Also called: SPINAL MUSCULAR ATROPHY, LOWER EXTREMITY-PREDOMINANT, 2A, CHILDHOOD ONSET, AUTOSOMAL DOMINANT; Spinal muscular atrophy, lower extremity-predominant, 2A, autosomal dominant. Identifiers: Orphanet 363447, Orphanet 363454, MedGen C4747715, MONDO:0014121, OMIM 615290.
Spinal muscular atrophy, lower extremity-predominant, 2b, prenatal onset, autosomal dominant. Also called: Spinal muscular atrophy, lower extremity-predominant, 2B, autosomal dominant. Identifiers: MedGen C4749003, MONDO:0032660, OMIM 618291.
Autosomal dominant hereditary axonal motor and sensory neuropathy. Identifiers: Orphanet 140456, MedGen C5680676, MONDO:0015360.
Spinal muscular atrophy, lower extremity-predominant, 2, AD.

Submissions (7):

New York Genome Center
Classification: Likely pathogenic for Spinal muscular atrophy, lower extremity-predominant, 2b, prenatal onset, autosomal dominant; Autosomal dominant childhood-onset proximal spinal muscular atrophy with contractures. Last evaluated: 2024-03-01. Review status: criteria provided, single submitter. Criteria: NYGC Assertion Criteria 2020. Collection method: clinical testing. Allele origin: de novo. Affected: yes. Observed: 1 variant allele, 1 heterozygote.
Comment: The c.2080C>T variant in the BICD2 gene has been reported as a recurrent de novo variant where inheritance was assessed in multiple individuals affected with BICD2-related conditions [PMID: 27751653, 33060286, 33726816, 33820833]. The c.2080C>T variant has been deposited in ClinVar as Pathogenic and Likely Pathogenic [ClinVar ID: 210526] for autosomal dominant spinal muscular atrophy by multiple submitters. The c.2080C>T variant has not been deposited in population databases (gnomad v4.0.0, TOPMed Freeze 10, AllOfUs), suggesting it is not a common benign variant in the populations represented in those databases.The c.2080C>T variant in the BICD2 is located in exon 5 of this 7-exon gene and predicted to replace an evolutionarily conserved cysteine amino acid with arginine at position 694 (p.(Arg694Cys)). In silico predictions are in favor of damaging effect for the p.(Arg694Cys) variant [CADD v.1.6= 26.8, REVEL = 0.772]; however, there are no functional studies to support or refute these predictions. Another missense variant affecting the same amino acid residue (c.2081G>A p.(Arg694His)) has been reported in the literature [PMID: 33820833, 33686258] and deposited in ClinVar as Likely Pathogenic [ClinVar ID: 1323979]. Based on available evidence this de novo heterozygous c.2080C>T p.(Arg694His) variant identified in BICD2 is classified as Likely Pathogenic.

GeneDx
Classification: Pathogenic. Last evaluated: 2022-10-16. Review status: criteria provided, single submitter. Criteria: GeneDx Variant Classification Process June 2021. Collection method: clinical testing. Allele origin: germline. Affected: yes.
Comment: Identified in a patient with arthrogryposis multiplex congenita, micrognathia, and respiratory insufficiency requiring assisted ventilation in published literature (Storbeck et al., 2017) but familial segregation information was not included; Not observed at significant frequency in large population cohorts (gnomAD); In silico analysis supports that this missense variant has a deleterious effect on protein structure/function; This variant is associated with the following publications: (PMID: 33060286, 32709491, 32665036, 27751653, 25998610, 28688748, 29274205, 32888736, 33547725, 32057122, 32056343, 33726816, 35896821, Ribeiro-Mourao2022[Article], 34736627, 35616356, 31655624, 28635954)

Laboratorio de Genetica e Diagnostico Molecular, Hospital Israelita Albert Einstein
Classification: Likely pathogenic for Autosomal dominant childhood-onset proximal spinal muscular atrophy with contractures. Last evaluated: 2022-04-27. Review status: criteria provided, single submitter. Criteria: ACMG Guidelines, 2015. Collection method: clinical testing. Allele origin: germline. Affected: yes. Observed: 1 variant allele.
Comment: ACMG classification criteria: PS4 moderated, PM2 moderated, PM6 moderated, PP3 supporting

HudsonAlpha Institute for Biotechnology
Classification: Likely pathogenic for Autosomal dominant childhood-onset proximal spinal muscular atrophy with contractures. Last evaluated: 2016-11-10. Review status: criteria provided, single submitter. Criteria: HA_assertions_20161101. Collection method: research. Allele origin: de novo. Affected: yes. Observed: 1 variant allele. Study: CSER-HudsonAlpha.

Genetic Services Laboratory, University of Chicago
Classification: Likely pathogenic for Spinal muscular atrophy, lower extremity-predominant, 2, AD. Last evaluated: 2014-10-17. Review status: criteria provided, single submitter. Criteria: ACMG Guidelines, 2015. Collection method: clinical testing. Allele origin: germline. Affected: yes.

OMIM
Classification: Pathogenic for SPINAL MUSCULAR ATROPHY, LOWER EXTREMITY-PREDOMINANT, 2B, PRENATAL ONSET, AUTOSOMAL DOMINANT. Last evaluated: 2019-01-30. Review status: no assertion criteria provided. Collection method: literature only. Allele origin: germline. Not counted in ClinVar's aggregate classification.

Inherited Neuropathy Consortium Ii, University Of Miami
Classification: Uncertain significance for Autosomal dominant hereditary axonal motor and sensory neuropathy. Last evaluated: 2017-06-08. Review status: no assertion criteria provided. Collection method: literature only. Allele origin: germline. Affected: yes. Not counted in ClinVar's aggregate classification.

Literature cited by the submitters: PubMed 27751653 (cited by New York Genome Center and OMIM); PubMed 33060286 (cited by New York Genome Center); PubMed 33726816 (cited by New York Genome Center); PubMed 33820833 (cited by New York Genome Center); PubMed 28635954 (cited by OMIM); PubMed 21208200 (cited by Inherited Neuropathy Consortium Ii, University Of Miami).